The following is an entry in ClinVar:

NM_000440.3(PDE6A):c.*1365G>A

Gene: PDE6A (phosphodiesterase 6A; minus strand). Cytogenetic location: 5q32.
Variant type: single nucleotide variant.
Coding change: c.*1365G>A on transcript NM_000440.3 (MANE Select); 1365 bases downstream of the stop codon, G replaced by A.
Molecular consequence: 3 prime UTR variant.
Genome position (GRCh38, 1-based): chr5:149,859,530, C>T on the plus strand (G>A on the coding strand, the complement: PDE6A is on the minus strand). VCF-style: chr5-149859530-C-T. GRCh37 (hg19) VCF-style: chr5-149239093-C-T.
Identifiers: ClinVar variation 351962 (VCV000351962.5), dbSNP rs888895, ClinGen allele CA10619631.

ClinVar aggregate classification (germline): Benign (1 of 4 stars; one submission).

Conditions:
Retinitis pigmentosa (RP). Identifiers: Orphanet 791, MedGen C0035334, MeSH D012174, MONDO:0019200, OMIM 268000. Inheritance: Autosomal dominant, autosomal recessive and X linked inheritance.

Allele frequency attached by ClinVar (database versions not stated): 1000 Genomes Project 0.55970; 1000 Genomes Project 30x 0.56964; gnomAD 0.61586 and 0.62508; TOPMed 0.62571; gnomAD exomes 0.65476.
gnomAD v4.1: 93,662 of 152,120 alleles (62%); highest among the groups gnomAD compares: African/African-American, 67%; 29,127 homozygotes.

Submission:

Illumina Laboratory Services, Illumina
Classification: Benign for Retinitis pigmentosa. Last evaluated: 2018-01-12. Review status: criteria provided, single submitter. Criteria: ICSL Variant Classification Criteria 13 December 2019. Collection method: clinical testing. Allele origin: germline.
Comment: This variant was observed in the ICSL laboratory as part of a predisposition screen in an ostensibly healthy population. It had not been previously curated by ICSL or reported in the Human Gene Mutation Database (HGMD: prior to June 1st, 2018), and was therefore a candidate for classification through an automated scoring system. Utilizing variant allele frequency, disease prevalence and penetrance estimates, and inheritance mode, an automated score was calculated to assess if this variant is too frequent to cause the disease. Based on the score and internal cut-off values, a variant classified as benign is not then subjected to further curation. The score for this variant resulted in a classification of benign for this disease.